The following is an entry in ClinVar:

Conditions:
Breast-ovarian cancer, familial, susceptibility to, 1 (BROVCA1). Also called: BRCA1 Hereditary Breast and Ovarian Cancer; OVARIAN CANCER, SUSCEPTIBILITY TO. Identifiers: Orphanet 145, MedGen C2676676, MONDO:0011450, OMIM 604370. Disease mechanism: loss of function.

Allele frequency attached by ClinVar (database versions not stated): TOPMed 0.00001.

Submission:

Brotman Baty Institute, University of Washington
No classification provided (evidence only). Condition: Breast-ovarian cancer, familial 1. Review status: no classification provided. Collection method: in vitro. Allele origin: not applicable. Functional consequence: functionally_normal.
ClinVar note: "not provided" was previously submitted as the classification for the variant. However, the classification appeared to be based only on an observation of functional data so it was converted to no classification on 2025-07-30.

NM_007294.4(BRCA1):c.4987-7A>C

Gene: BRCA1 (BRCA1 DNA repair associated; minus strand). Cytogenetic location: 17q21.31.
Variant type: single nucleotide variant.
Coding change: c.4987-7A>C on transcript NM_007294.4 (MANE Select); 7 bases into the intron before coding-DNA position 4987, A replaced by C.
Molecular consequence: intron variant.
Genome position (GRCh38, 1-based): chr17:43,067,702, T>G on the plus strand (A>C on the coding strand, the complement: BRCA1 is on the minus strand). VCF-style: chr17-43067702-T-G. GRCh37 (hg19) VCF-style: chr17-41219719-T-G.
Other names: c.1534-7A>C (NM_001408458.1, NM_001408461.1, NM_001408464.1 and 7 more transcripts); c.4096-7A>C (NM_001407967.1); c.4606-7A>C (NM_001407959.1); c.4720-7A>C (NM_001407931.1, NM_001407932.1, NM_001407928.1 and 4 more transcripts); c.4843-7A>C (NM_001407747.1, NM_001407745.1, NM_001407737.1 and 21 more transcripts); c.4603-7A>C (NM_001407962.1, NM_001407960.1); c.1174-7A>C (NM_001408512.1); c.1297-7A>C (NM_001408510.1); and 71 more.
Identifiers: ClinVar variation 868489 (VCV000868489.3), dbSNP rs1025136518, ClinGen allele CA290827961.